The following is an entry in ClinVar:

ClinVar aggregate classification (germline): Uncertain significance (1 of 4 stars; one submission).

Allele frequency attached by ClinVar (database versions not stated): TOPMed below 0.00001.

Submission:

HudsonAlpha Institute for Biotechnology
Classification: Uncertain significance. Last evaluated: 2021-02-17. Review status: criteria provided, single submitter. Criteria: ACMG Guidelines, 2015. Collection method: research. Allele origin: unknown. Observed: 1 variant allele. Study: CSER-SouthSeq.
Comment: ACMG codes: PM2

NM_001105244.2(PTPRM):c.1749A>G (p.Ile583Met)

Gene: PTPRM (protein tyrosine phosphatase receptor type M; plus strand). Cytogenetic location: 18p11.23.
Variant type: single nucleotide variant.
Coding change: c.1749A>G on transcript NM_001105244.2 (MANE Select); coding-DNA position 1749, A replaced by G.
Protein change: p.Ile583Met; replaces isoleucine 583 with methionine.
Molecular consequence: missense variant.
Genome position (GRCh38, 1-based): chr18:8,085,868, A>G. VCF-style: chr18-8085868-A-G. GRCh37 (hg19) VCF-style: chr18-8085866-A-G.
Other names: c.1110A>G, p.Ile370Met (NM_001378142.1, NM_001378143.1, NM_001378144.1 and 3 more transcripts); c.1749A>G, p.Ile583Met (NM_002845.4); short protein forms I370M, I583M.
Identifiers: ClinVar variation 1320317 (VCV001320317.1), dbSNP rs2090405367, ClinGen allele CA402019962.